The following is an entry in ClinVar:

ClinVar aggregate classification (germline): Uncertain significance (1 of 4 stars; one submission).

Conditions:
Hereditary cancer-predisposing syndrome. Also called: Hereditary Cancer Syndrome; Hereditary neoplastic syndrome; Neoplastic Syndromes, Hereditary; Tumor predisposition. Identifiers: Orphanet 140162, MedGen C0027672, MeSH D009386, MONDO:0015356.

Submission:

Ambry Genetics
Classification: Uncertain significance for Hereditary cancer-predisposing syndrome. Last evaluated: 2022-09-04. Review status: criteria provided, single submitter. Criteria: Ambry Variant Classification Scheme 2023. Collection method: clinical testing. Allele origin: germline.
Comment: The p.K1828N variant (also known as c.5484G>T), located in coding exon 35 of the ATM gene, results from a G to T substitution at nucleotide position 5484. The lysine at codon 1828 is replaced by asparagine, an amino acid with similar properties. This amino acid position is conserved. In addition, this alteration is predicted to be tolerated by in silico analysis. Since supporting evidence is limited at this time, the clinical significance of this alteration remains unclear.

NM_000051.4(ATM):c.5484G>T (p.Lys1828Asn)

Gene: ATM (ATM serine/threonine kinase; plus strand). Cytogenetic location: 11q22.3.
Variant type: single nucleotide variant.
Coding change: c.5484G>T on transcript NM_000051.4 (MANE Select); coding-DNA position 5484, G replaced by T.
Protein change: p.Lys1828Asn; replaces lysine 1828 with asparagine.
Molecular consequence: missense variant.
Genome position (GRCh38, 1-based): chr11:108,303,017, G>T. VCF-style: chr11-108303017-G-T. GRCh37 (hg19) VCF-style: chr11-108173744-G-T.
Other names: c.5484G>T, p.Lys1828Asn (NM_001351834.2); short protein forms K1828N.
Identifiers: ClinVar variation 1747817 (VCV001747817.2), dbSNP rs2135930982, ClinGen allele CA382544464.